The following is an entry in ClinVar:

ClinVar aggregate classification (germline): Uncertain significance (1 of 4 stars; one submission).

Submission:

Labcorp Genetics (formerly Invitae), Labcorp
Classification: Uncertain significance. Last evaluated: 2025-11-17. Review status: criteria provided, single submitter. Criteria: Invitae Variant Classification Sherloc (09022015). Collection method: clinical testing. Allele origin: germline.
Comment: This sequence change replaces leucine, which is neutral and non-polar, with valine, which is neutral and non-polar, at codon 3668 of the FAT4 protein (p.Leu3668Val). This variant is not present in population databases (gnomAD no frequency). This variant has not been reported in the literature in individuals affected with FAT4-related conditions. An algorithm developed to predict the effect of missense changes on protein structure and function (PolyPhen-2) suggests that this variant is likely to be disruptive. In summary, the available evidence is currently insufficient to determine the role of this variant in disease. Therefore, it has been classified as a Variant of Uncertain Significance.

NM_001291303.3(FAT4):c.11008C>G (p.Leu3670Val)

Gene: FAT4 (FAT atypical cadherin 4; plus strand). Cytogenetic location: 4q28.1.
Variant type: single nucleotide variant.
Coding change: c.11008C>G on transcript NM_001291303.3 (MANE Select); coding-DNA position 11008, C replaced by G.
Protein change: p.Leu3670Val; replaces leucine 3670 with valine.
Molecular consequence: missense variant.
Genome position (GRCh38, 1-based): chr4:125,452,018, C>G. VCF-style: chr4-125452018-C-G. GRCh37 (hg19) VCF-style: chr4-126373173-C-G.
Other names: c.11008C>G, p.Leu3670Val (NM_001291285.3, NM_001438396.1, NM_001438397.1); c.5779C>G, p.Leu1927Val (NM_001437895.1); c.11002C>G, p.Leu3668Val (NM_024582.6); short protein forms L3670V, L1927V, L3668V.
Identifiers: ClinVar variation 4730962 (VCV004730962.1).